The following is an entry in ClinVar:

ClinVar aggregate classification (germline): Uncertain significance. Review status: criteria provided, multiple submitters, no conflicts (2 of 4 stars). 2 submissions from 2 submitters: Uncertain significance (2). Last evaluated 2026-08-06.

Conditions:
Developmental and epileptic encephalopathy, 84. Also called: EPILEPTIC ENCEPHALOPATHY, EARLY IFANTILE, 84. Identifiers: MedGen C5394081, MONDO:0032918, OMIM 618792.

gnomAD v4.1: 18 of 1,613,744 alleles (0.0011%); highest among the groups gnomAD compares: East Asian, 0.0067%; no homozygotes.

Submissions (2):

OLLIN Analises Genomicas, OLLIN
Classification: Uncertain significance for Developmental and epileptic encephalopathy, 84. Last evaluated: 2026-08-06. Review status: criteria provided, single submitter. Criteria: ACMG Guidelines 2015 PMID 25741868. Collection method: clinical testing. Allele origin: germline.
Comment: This missense variant, located in exon 11 (of 12), has been reported in ClinVar (accession VCV004076290.1) and in gnomAD with an allele frequency of 0.0011%. However, to our knowledge, it has not been reported in the scientific literature. In silico analysis predicts that this variant has a deleterious effect. This gene is constrained for missense variation. According to the currently available evidence, this variant has been classified as uncertain significance (PM2_P, PP2, PP3).

Laboratorio de Genetica e Diagnostico Molecular, Hospital Israelita Albert Einstein
Classification: Uncertain significance for Developmental and epileptic encephalopathy, 84. Last evaluated: 2024-05-03. Review status: criteria provided, single submitter. Criteria: ACMG Guidelines, 2015. Collection method: clinical testing. Allele origin: germline. Affected: yes.
Comment: ACMG classification criteria: PM2 supporting, PP3 supporting

NM_003359.4(UGDH):c.1364T>C (p.Ile455Thr)

Gene: UGDH (UDP-glucose 6-dehydrogenase; minus strand). Cytogenetic location: 4p14.
Variant type: single nucleotide variant.
Coding change: c.1364T>C on transcript NM_003359.4 (MANE Select); coding-DNA position 1364, T replaced by C.
Protein change: p.Ile455Thr; replaces isoleucine 455 with threonine.
Molecular consequence: missense variant.
Genome position (GRCh38, 1-based): chr4:39,503,885, A>G on the plus strand (T>C on the coding strand, the complement: UGDH is on the minus strand). VCF-style: chr4-39503885-A-G. GRCh37 (hg19) VCF-style: chr4-39505505-A-G.
Other names: c.1163T>C, p.Ile388Thr (NM_001184700.2); c.1073T>C, p.Ile358Thr (NM_001184701.2); short protein forms I358T, I388T, I455T.
Identifiers: ClinVar variation 4076290 (VCV004076290.2).